The following is an entry in ClinVar:

NM_001376.5(DYNC1H1):c.314T>C (p.Ile105Thr)

Gene: DYNC1H1 (dynein cytoplasmic 1 heavy chain 1; plus strand). Cytogenetic location: 14q32.31.
Variant type: single nucleotide variant.
Coding change: c.314T>C on transcript NM_001376.5 (MANE Select); coding-DNA position 314, T replaced by C.
Protein change: p.Ile105Thr; replaces isoleucine 105 with threonine.
Molecular consequence: missense variant.
Genome position (GRCh38, 1-based): chr14:101,975,769, T>C. VCF-style: chr14-101975769-T-C. GRCh37 (hg19) VCF-style: chr14-102442106-T-C.
Other names: short protein forms I105T.
Identifiers: ClinVar variation 1710743 (VCV001710743.5), dbSNP rs2503672265, ClinGen allele CA391006335.
Genomic context (GRCh38, chr14:101,975,769, plus strand): 5'-TAGAGGACGTCGGTGATGAAGGAGAAGAAGAAAAAGAATTCATTTCCTATAACATCAACA[T>C]AGACATTCATTATGGGGTTAAATCCAATAGGTGAGTAGTACAAATATTACCATTATCTCA-3'
Protein context (NP_001367.2, residues 95-115): EKEFISYNIN[Ile105Thr]DIHYGVKSNS

ClinVar aggregate classification (germline): Conflicting classifications of pathogenicity. Review status: criteria provided, conflicting classifications (1 of 4 stars). 2 submissions from 2 submitters: Uncertain significance (1); Benign (1). Last evaluated 2023-11-27.

Conditions:
Charcot-Marie-Tooth disease axonal type 2O. Also called: CHARCOT-MARIE-TOOTH NEUROPATHY, AXONAL, TYPE 2O; CHARCOT-MARIE-TOOTH DISEASE, AXONAL, AUTOSOMAL DOMINANT, TYPE 2O; Charcot-Marie-Tooth disease, axonal, type 20; Charcot-Marie-Tooth Neuropathy Type 2O. Identifiers: Orphanet 284232, MedGen C3280220, MONDO:0013644, OMIM 614228.

Submissions (2):

Labcorp Genetics (formerly Invitae), Labcorp
Classification: Benign for Charcot-Marie-Tooth disease axonal type 2O. Last evaluated: 2023-11-27. Review status: criteria provided, single submitter. Criteria: Invitae Variant Classification Sherloc (09022015). Collection method: clinical testing. Allele origin: germline.

GeneDx
Classification: Uncertain significance. Last evaluated: 2022-04-12. Review status: criteria provided, single submitter. Criteria: GeneDx Variant Classification Process June 2021. Collection method: clinical testing. Allele origin: germline. Affected: yes.
Comment: Has not been previously published as pathogenic or benign to our knowledge; Not observed at significant frequency in large population cohorts (gnomAD); In silico analysis supports that this missense variant does not alter protein structure/function